The following is an entry in ClinVar:

ClinVar aggregate classification (germline): Uncertain significance (1 of 4 stars; one submission).

Allele frequency attached by ClinVar (database versions not stated): gnomAD exomes below 0.00001.
gnomAD v4.1: 6 of 1,613,526 alleles (0.00037%); highest among the groups gnomAD compares: Non-Finnish European, 0.00051%; no homozygotes.

Submission:

Labcorp Genetics (formerly Invitae), Labcorp
Classification: Uncertain significance. Last evaluated: 2022-09-15. Review status: criteria provided, single submitter. Criteria: Invitae Variant Classification Sherloc (09022015). Collection method: clinical testing. Allele origin: germline.
Comment: This sequence change replaces alanine, which is neutral and non-polar, with serine, which is neutral and polar, at codon 442 of the GUCY2C protein (p.Ala442Ser). This variant is not present in population databases (gnomAD no frequency). This variant has not been reported in the literature in individuals affected with GUCY2C-related conditions. Advanced modeling of protein sequence and biophysical properties (such as structural, functional, and spatial information, amino acid conservation, physicochemical variation, residue mobility, and thermodynamic stability) performed at Invitae indicates that this missense variant is not expected to disrupt GUCY2C protein function. In summary, the available evidence is currently insufficient to determine the role of this variant in disease. Therefore, it has been classified as a Variant of Uncertain Significance.

NM_004963.4(GUCY2C):c.1324G>T (p.Ala442Ser)

Gene: GUCY2C (guanylate cyclase 2C; minus strand). Cytogenetic location: 12p12.3.
Variant type: single nucleotide variant.
Coding change: c.1324G>T on transcript NM_004963.4 (MANE Select); coding-DNA position 1324, G replaced by T.
Protein change: p.Ala442Ser; replaces alanine 442 with serine.
Molecular consequence: missense variant.
Genome position (GRCh38, 1-based): chr12:14,661,021, C>A on the plus strand (G>T on the coding strand, the complement: GUCY2C is on the minus strand). VCF-style: chr12-14661021-C-A. GRCh37 (hg19) VCF-style: chr12-14813955-C-A.
Other names: short protein forms A442S.
Identifiers: ClinVar variation 2048164 (VCV002048164.4), dbSNP rs2497735483, ClinGen allele CA383993946.